The following is an entry in ClinVar:

ClinVar aggregate classification (germline): Benign (1 of 4 stars; one submission).

Allele frequency attached by ClinVar (database versions not stated): gnomAD 0.17771 and 0.18552.
gnomAD v4.1: 14,413 of 77,758 alleles (19%); highest among the groups gnomAD compares: Non-Finnish European, 22%; 2,037 homozygotes.

Submission:

GeneDx
Classification: Benign. Last evaluated: 2018-06-16. Review status: criteria provided, single submitter. Criteria: GeneDx Variant Classification (06012015). Collection method: clinical testing. Allele origin: germline. Affected: yes.
Comment: This variant is considered likely benign or benign based on one or more of the following criteria: it is a conservative change, it occurs at a poorly conserved position in the protein, it is predicted to be benign by multiple in silico algorithms, and/or has population frequency not consistent with disease.

NM_001244008.2(KIF1A):c.430-308A>T

Gene: KIF1A (kinesin family member 1A; minus strand). Cytogenetic location: 2q37.3.
Variant type: single nucleotide variant.
Coding change: c.430-308A>T on transcript NM_001244008.2 (MANE Select); 308 bases into the intron before coding-DNA position 430, A replaced by T.
Molecular consequence: intron variant.
Genome position (GRCh38, 1-based): chr2:240,786,821, T>A on the plus strand (A>T on the coding strand, the complement: KIF1A is on the minus strand). VCF-style: chr2-240786821-T-A. GRCh37 (hg19) VCF-style: chr2-241726238-T-A.
Other names: c.430-308A>T (NM_001379653.1, NM_001379650.1, NM_001379645.1 and 20 more transcripts).
Identifiers: ClinVar variation 669788 (VCV000669788.1), dbSNP rs3888328, ClinGen allele CA11104896.
Genomic context (GRCh38, chr2:240,786,821, plus strand): 5'-TAGGGGCCACCATCAGGACCCCTGAGTGAGGGGGTGGGGGCTGCCATCAGGACCCCTGAG[T>A]GAGAGGGTGGGGGCTGCCTGCTGAGCAGAGGGCTCCCAGTCTGCAGCCCCTGTGTGTATG-3'